The following is an entry in ClinVar:

NM_004004.6(GJB2):c.100A>T (p.Met34Leu)

Gene: GJB2 (gap junction protein beta 2; minus strand). Cytogenetic location: 13q12.11.
Variant type: single nucleotide variant.
Coding change: c.100A>T on transcript NM_004004.6 (MANE Select); coding-DNA position 100, A replaced by T.
Protein change: p.Met34Leu; replaces methionine 34 with leucine.
Molecular consequence: missense variant.
Genome position (GRCh38, 1-based): chr13:20,189,482, T>A on the plus strand (A>T on the coding strand, the complement: GJB2 is on the minus strand). VCF-style: chr13-20189482-T-A. GRCh37 (hg19) VCF-style: chr13-20763621-T-A.
Other names: short protein forms M34L.
Identifiers: ClinVar variation 804719 (VCV000804719.5), dbSNP rs564084861, ClinGen allele CA6904321.

ClinVar aggregate classification (germline): Uncertain significance. Review status: criteria provided, multiple submitters, no conflicts (2 of 4 stars). 3 submissions from 3 submitters: Uncertain significance (2). 1 of the submissions does not count toward it. Last evaluated 2025-04-28.

Conditions:
Autosomal recessive nonsyndromic hearing loss 1A (DFNB1A). Also called: Connexin 26 deafness; Deafness nonsyndromic, Connexin 26 linked; GJB6-Related DFNB 1 Nonsyndromic Hearing Loss and Deafness; GJB2-Related Autosomal Recessive Nonsyndromic Hearing Loss; Deafness, autosomal recessive 1A; Nonsyndromic Hearing Loss and Deafness, DFNB1. Identifiers: Orphanet 90636, MedGen C2673759, MONDO:0009076, OMIM 220290.

Allele frequency attached by ClinVar (database versions not stated): gnomAD exomes below 0.00001; ExAC 0.00001; gnomAD 0.00001; 1000 Genomes Project 30x 0.00016; 1000 Genomes Project 0.00020.
gnomAD v4.1: 1 of 1,613,962 alleles (0.000062%); highest among the groups gnomAD compares: East Asian, 0.0022%; no homozygotes.

Submissions (3):

Women's Health and Genetics/Laboratory Corporation of America, LabCorp
Classification: Uncertain significance. Last evaluated: 2025-04-28. Review status: criteria provided, single submitter. Criteria: LabCorp Variant Classification Summary - May 2015. Collection method: clinical testing. Allele origin: germline.
Comment: Variant summary: GJB2 c.100A>T (p.Met34Leu) results in a conservative amino acid change located in the Connexin, N-terminal domain (IPR013092) of the encoded protein sequence. Three of five in-silico tools predict a benign effect of the variant on protein function. The variant allele was found at a frequency of 4e-06 in 250726 control chromosomes (gnomAD). The available data on variant occurrences in the general population are insufficient to allow any conclusion about variant significance. c.100A>T has been reported in the literature as a non-informative genotype (second allele not specified) in individuals affected with Non-Syndromic Hearing Loss (example, Kudo_2001, Zainal_2012, Resmerita_2020). These reports do not provide unequivocal conclusions about association of the variant with Non-Syndromic Hearing Loss. A different variant affecting the same codon has been classified as pathogenic by our lab (c.101T>C, p.Met34Thr). To our knowledge, no experimental evidence demonstrating an impact on protein function has been reported. The following publications have been ascertained in the context of this evaluation (PMID: 22613756, 11698809, 20441744, 27466889, 16125251, 33333757). ClinVar contains an entry for this variant (Variation ID: 804719). Based on the evidence outlined above, the variant was classified as uncertain significance.

Athena Diagnostics
Classification: Uncertain significance. Last evaluated: 2018-12-05. Review status: criteria provided, single submitter. Criteria: Athena Diagnostics Criteria. Collection method: clinical testing. Allele origin: germline.

Natera, Inc.
Classification: Uncertain significance for Autosomal recessive deafness type 1A. Last evaluated: 2020-09-16. Review status: no assertion criteria provided. Collection method: clinical testing. Allele origin: germline. Not counted in ClinVar's aggregate classification.

Literature cited by the submitters: PubMed 22613756 (cited by Women's Health and Genetics/Laboratory Corporation of America, LabCorp and Athena Diagnostics); PubMed 11698809 (cited by Women's Health and Genetics/Laboratory Corporation of America, LabCorp and Athena Diagnostics); PubMed 20441744 (cited by Women's Health and Genetics/Laboratory Corporation of America, LabCorp); PubMed 27466889 (cited by Women's Health and Genetics/Laboratory Corporation of America, LabCorp); PubMed 16125251 (cited by Women's Health and Genetics/Laboratory Corporation of America, LabCorp); PubMed 33333757 (cited by Women's Health and Genetics/Laboratory Corporation of America, LabCorp); PubMed 25388846 (cited by Athena Diagnostics).